The following is an entry in ClinVar:

NM_024675.4(PALB2):c.2458_2459insTTTGATAGGCTGATTTTAAAG (p.Glu820delinsValTer)

Gene: PALB2 (partner and localizer of BRCA2; minus strand). Cytogenetic location: 16p12.2.
Variant type: Insertion.
Coding change: c.2458_2459insTTTGATAGGCTGATTTTAAAG on transcript NM_024675.4 (MANE Select); coding-DNA positions 2458 to 2459, TTTGATAGGCTGATTTTAAAG inserted.
Protein change: p.Glu820delinsValTer.
Molecular consequence: nonsense. On other transcripts: intron variant (1).
Genome position: GRCh38 VCF-style: chr16-23629695-T-TCTTTAAAATCAGCCTATCAAA. GRCh37 (hg19) VCF-style: chr16-23641016-T-TCTTTAAAATCAGCCTATCAAA.
Other names: c.2398_2399insTTTGATAGGCTGATTTTAAAG, p.Glu800delinsValTer (NM_001407296.1); c.2458_2459insTTTGATAGGCTGATTTTAAAG, p.Glu820delinsValTer (NM_001407297.1, NM_001407298.1, NM_001407299.1 and 3 more transcripts); c.1573_1574insTTTGATAGGCTGATTTTAAAG, p.Glu525delinsValTer (NM_001407304.1, NM_001407305.1, NM_001407306.1 and 5 more transcripts); c.670_671insTTTGATAGGCTGATTTTAAAG, p.Glu224delinsValTer (NM_001407312.1, NM_001407313.1); c.49-421_49-420insTTTTAAAGTTTGATAGGCTGA (NM_001407314.1).
Identifiers: ClinVar variation 2774004 (VCV002774004.2), dbSNP rs2506404649, ClinGen allele CA2697555719.
Genomic context (GRCh38, chr16:23,629,695, plus strand): 5'-TGTACCTGTTCGACGGAATGTTTATGCAGCTCCTGGCATGTGTTTCTACAGAGCTGATTT[T>TCTTTAAAATCAGCCTATCAAA]CTTTAAAAGTGAATGACTCAATGGGTGGAGGTGTTCCTGGCGGGACAGAGTCACAGTCAC-3'

ClinVar aggregate classification (germline): Pathogenic (1 of 4 stars; one submission).

Conditions:
Hereditary cancer-predisposing syndrome. Also called: Hereditary neoplastic syndrome; Hereditary Cancer Syndrome; Neoplastic Syndromes, Hereditary; Tumor predisposition. Identifiers: Orphanet 140162, MedGen C0027672, MeSH D009386, MONDO:0015356.

Submission:

Color Diagnostics, LLC DBA Color Health
Classification: Pathogenic for Hereditary cancer-predisposing syndrome. Last evaluated: 2023-11-20. Review status: criteria provided, single submitter. Criteria: ACMG Guidelines, 2015. Collection method: clinical testing. Allele origin: germline.
Comment: This variant inserts 21 nucleotides in exon 5 of the PALB2 gene, creating a premature translation stop signal. This variant is expected to result in an absent or non-functional protein product. To our knowledge, this variant has not been reported in individuals affected with PALB2-related disorders in the literature. This variant has not been identified in the general population by the Genome Aggregation Database (gnomAD). Loss of PALB2 function is a known mechanism of disease. Based on the available evidence, this variant is classified as Pathogenic.